The following is an entry in ClinVar:

NM_015001.3(SPEN):c.9144G>A (p.Thr3048=)

Gene: SPEN (spen family transcriptional repressor; plus strand). Cytogenetic location: 1p36.13.
Variant type: single nucleotide variant.
Coding change: c.9144G>A on transcript NM_015001.3 (MANE Select); coding-DNA position 9144, G replaced by A.
Protein change: p.Thr3048=; no amino-acid change (threonine 3048 retained).
Molecular consequence: synonymous variant.
Genome position (GRCh38, 1-based): chr1:15,935,384, G>A. VCF-style: chr1-15935384-G-A. GRCh37 (hg19) VCF-style: chr1-16261879-G-A.
Identifiers: ClinVar variation 2638343 (VCV002638343.24), dbSNP rs116334359, ClinGen allele CA620417.

ClinVar aggregate classification (germline): Likely benign (1 of 4 stars; one submission).

Allele frequency attached by ClinVar (database versions not stated): gnomAD exomes 0.00006; ExAC 0.00014; 1000 Genomes Project 30x 0.00031; 1000 Genomes Project 0.00040; gnomAD 0.00050; TOPMed 0.00052; ESP Exome Variant Server 0.00054.

Submission:

CeGaT Center for Human Genetics Tuebingen
Classification: Likely benign. Last evaluated: 2022-12-01. Review status: criteria provided, single submitter. Criteria: CeGaT Center For Human Genetics Tuebingen Variant Classification Criteria Version 2. Collection method: clinical testing. Allele origin: germline. Affected: yes. Observed: 1 variant allele.
Comment: SPEN: BP4, BP7, BS1